The following is an entry in ClinVar:

ClinVar aggregate classification (germline): Conflicting classifications of pathogenicity. Review status: criteria provided, conflicting classifications (1 of 4 stars). 5 submissions from 5 submitters: Uncertain significance (2); Likely benign (3). Last evaluated 2025-09-03.

Conditions:
Cardiovascular phenotype. Identifiers: MedGen CN230736.
Cardiac arrhythmia. Also called: Cardiac rhythm disease; Arrhythmia. Identifiers: MedGen C0003811, MONDO:0007263, HP:0011675.
Long QT syndrome (LQTS). Identifiers: MedGen C0023976, MeSH D008133, MONDO:0002442. Disease mechanism: loss of function. Inheritance: Various modes of inheritance.
Long QT syndrome 1 (LQT1). Identifiers: Orphanet 101016, Orphanet 768, MedGen C4551647, MONDO:0100316, OMIM 192500, MONDO:0008646.

Allele frequency attached by ClinVar (database versions not stated): gnomAD below 0.00001 and 0.00003; TOPMed 0.00001; gnomAD exomes 0.00011; 1000 Genomes Project 0.00020; ExAC 0.00028; 1000 Genomes Project 30x 0.00031.
gnomAD v4.1: 91 of 1,573,664 alleles (0.0058%); highest among the groups gnomAD compares: South Asian, 0.1%; 1 homozygote.

Submissions (5):

Labcorp Genetics (formerly Invitae), Labcorp
Classification: Likely benign for Long QT syndrome. Last evaluated: 2025-09-03. Review status: criteria provided, single submitter. Criteria: Invitae Variant Classification Sherloc (09022015). Collection method: clinical testing. Allele origin: germline.

GeneDx
Classification: Uncertain significance. Last evaluated: 2025-06-13. Review status: criteria provided, single submitter. Criteria: GeneDx Variant Classification Process June 2021. Collection method: clinical testing. Allele origin: germline. Affected: yes.
Comment: In silico analysis suggests that this missense variant does not alter protein structure/function; Has not been previously published as pathogenic or benign to our knowledge

Ambry Genetics
Classification: Likely benign for Cardiovascular phenotype. Last evaluated: 2023-01-06. Review status: criteria provided, single submitter. Criteria: Ambry Variant Classification Scheme 2023. Collection method: clinical testing. Allele origin: germline.

Color Diagnostics, LLC DBA Color Health
Classification: Likely benign for Cardiac arrhythmia. Last evaluated: 2021-02-19. Review status: criteria provided, single submitter. Criteria: ACMG Guidelines, 2015. Collection method: clinical testing. Allele origin: germline.

Genomic Diagnostic Laboratory, Division of Genomic Diagnostics, Children's Hospital of Philadelphia
Classification: Uncertain significance for Long QT syndrome 1. Last evaluated: 2015-03-06. Review status: criteria provided, single submitter. Criteria: DGD Variant Analysis Guidelines. Collection method: clinical testing. Allele origin: unknown.

NM_000218.3(KCNQ1):c.1970A>G (p.Asn657Ser)

Genes: KCNQ1-AS1 (KCNQ1 antisense RNA 1; minus strand), KCNQ1 (potassium voltage-gated channel subfamily Q member 1; plus strand). Cytogenetic location: 11p15.4.
Variant type: single nucleotide variant.
Coding change: c.1970A>G on transcript NM_000218.3 (MANE Select); coding-DNA position 1970, A replaced by G.
Protein change: p.Asn657Ser; replaces asparagine 657 with serine.
Molecular consequence: missense variant.
Genome position (GRCh38, 1-based): chr11:2,847,942, A>G. VCF-style: chr11-2847942-A-G. GRCh37 (hg19) VCF-style: chr11-2869172-A-G.
Other names: c.1874A>G, p.Asn625Ser (NM_001406836.1); c.1700A>G, p.Asn567Ser (NM_001406837.1); c.1430A>G, p.Asn477Ser (NM_001406838.1); c.482A>G, p.Asn161Ser (NM_001406839.1); c.1589A>G, p.Asn530Ser (NM_181798.2); short protein forms N530S, N657S, N567S, N625S, N161S, N477S.
Identifiers: ClinVar variation 218432 (VCV000218432.14), dbSNP rs552087428, ClinGen allele CA034034.